The following is an entry in ClinVar:

ClinVar aggregate classification (germline): Pathogenic (1 of 4 stars; one submission).

Conditions:
Primary ciliary dyskinesia. Also called: Ciliary dyskinesia. Identifiers: Orphanet 244, MedGen C0008780, MONDO:0016575, HP:0012265.

Submission:

Ambry Genetics
Classification: Pathogenic for Primary ciliary dyskinesia. Last evaluated: 2017-11-01. Review status: criteria provided, single submitter. Criteria: Ambry Variant Classification Scheme 2023. Collection method: clinical testing. Allele origin: germline.
Comment: The p.Q173* pathogenic mutation (also known as c.517C>T), located in coding exon 1 of the RSPH4A gene, results from a C to T substitution at nucleotide position 517. This changes the amino acid from a glutamine to a stop codon within coding exon 1. This alteration is expected to result in loss of function by premature protein truncation or nonsense-mediated mRNA decay. As such, this alteration is interpreted as a disease-causing mutation.

NM_001010892.3(RSPH4A):c.517C>T (p.Gln173Ter)

Gene: RSPH4A (radial spoke head component 4A; plus strand). Cytogenetic location: 6q22.1.
Variant type: single nucleotide variant.
Coding change: c.517C>T on transcript NM_001010892.3 (MANE Select); coding-DNA position 517, C replaced by T.
Protein change: p.Gln173Ter; replaces glutamine 173 with a stop codon.
Molecular consequence: nonsense.
Genome position (GRCh38, 1-based): chr6:116,617,140, C>T. VCF-style: chr6-116617140-C-T. GRCh37 (hg19) VCF-style: chr6-116938303-C-T.
Other names: c.517C>T, p.Gln173Ter (NM_001161664.2); short protein forms Q173*.
Identifiers: ClinVar variation 1745842 (VCV001745842.2), dbSNP rs1244173581, ClinGen allele CA365394109.
Genomic context (GRCh38, chr6:116,617,140, plus strand): 5'-TCTCAGCAACCCAAACCCCACCTGTGTGGACGAAGGGACGTGAGCTATAACAACGCTAAA[C>T]AGAAAGAGCTGAGATTTGACGTTTTTCAGGAGGAAGACTCAAACAGTGACTATGATTTAC-3'